The following is an entry in ClinVar:

ClinVar aggregate classification (germline): Uncertain significance (1 of 4 stars; one submission).

Conditions:
Mitochondrial DNA depletion syndrome 13. Also called: FBXL4-Related Encephalomyopathic Mitochondrial DNA Depletion Syndrome; Mitochondrial DNA depletion syndrome 13 (encephalomyopathic type). Identifiers: Orphanet 369897, MedGen C3809592, MONDO:0014198, OMIM 615471.

Allele frequency attached by ClinVar (database versions not stated): gnomAD exomes 0.00004 and 0.00001; ExAC 0.00006; gnomAD 0.00001; TOPMed 0.00003.
gnomAD v4.1: 19 of 1,612,942 alleles (0.0012%); highest among the groups gnomAD compares: East Asian, 0.04%; no homozygotes.

Submission:

Wong Mito Lab, Molecular and Human Genetics, Baylor College of Medicine
Classification: Uncertain significance for Mitochondrial DNA depletion syndrome 13. Last evaluated: 2017-08-10. Review status: criteria provided, single submitter. Criteria: ACMG Guidelines, 2015. Collection method: reference population. Allele origin: germline.
Comment: The NM_012160.4:c.1390A>G (NP_036292.2:p.Ile464Val) [GRCH38: NC_000006.12:g.98875727T>C] variant in FBXL4 gene is interpretated to be a Uncertain Significance - Insufficient Evidence based on ACMG guidelines (PMID: 25741868). This variant meets one or more of the following evidence codes reported in the ACMG-guideline. PM2:This variant is absent in key population databases. Based on this evidence code ClinGen Pathogenicity Calculator (PMID:28081714) suggested that the variant is Uncertain Significance - Insufficient Evidence.

NM_001278716.2(FBXL4):c.1390A>G (p.Ile464Val)

Gene: FBXL4 (F-box and leucine rich repeat protein 4; minus strand). Cytogenetic location: 6q16.1.
Variant type: single nucleotide variant.
Coding change: c.1390A>G on transcript NM_001278716.2 (MANE Select); coding-DNA position 1390, A replaced by G.
Protein change: p.Ile464Val; replaces isoleucine 464 with valine.
Molecular consequence: missense variant. On other transcripts: non-coding transcript variant (1).
Genome position (GRCh38, 1-based): chr6:98,875,727, T>C on the plus strand (A>G on the coding strand, the complement: FBXL4 is on the minus strand). VCF-style: chr6-98875727-T-C. GRCh37 (hg19) VCF-style: chr6-99323603-T-C.
Other names: c.1390A>G, p.Ile464Val (NM_012160.5); short protein forms I464V.
Identifiers: ClinVar variation 437751 (VCV000437751.1), dbSNP rs116538686, ClinGen allele CA3933447.